The following is an entry in ClinVar:

NM_024408.4(NOTCH2):c.4076A>C (p.His1359Pro)

Gene: NOTCH2 (notch receptor 2; minus strand). Cytogenetic location: 1p12.
Variant type: single nucleotide variant.
Coding change: c.4076A>C on transcript NM_024408.4 (MANE Select); coding-DNA position 4076, A replaced by C.
Protein change: p.His1359Pro; replaces histidine 1359 with proline.
Molecular consequence: missense variant.
Genome position (GRCh38, 1-based): chr1:119,925,740, T>G on the plus strand (A>C on the coding strand, the complement: NOTCH2 is on the minus strand). VCF-style: chr1-119925740-T-G. GRCh37 (hg19) VCF-style: chr1-120468363-T-G.
Other names: short protein forms H1359P.
Identifiers: ClinVar variation 2808348 (VCV002808348.3), dbSNP rs1570664203, ClinGen allele CA341891029.

ClinVar aggregate classification (germline): Uncertain significance (1 of 4 stars; one submission).

Conditions:
Hajdu-Cheney syndrome (HJCYS). Also called: ACROOSTEOLYSIS WITH OSTEOPOROSIS AND CHANGES IN SKULL AND MANDIBLE; Acroosteolysis dominant type; SERPENTINE FIBULA-POLYCYSTIC KIDNEY SYNDROME. Identifiers: Orphanet 955, MedGen C0917715, MONDO:0007057, OMIM 102500.

Submission:

Labcorp Genetics (formerly Invitae), Labcorp
Classification: Uncertain significance for Hajdu-Cheney syndrome. Last evaluated: 2022-10-26. Review status: criteria provided, single submitter. Criteria: Invitae Variant Classification Sherloc (09022015). Collection method: clinical testing. Allele origin: germline.
Comment: In summary, the available evidence is currently insufficient to determine the role of this variant in disease. Therefore, it has been classified as a Variant of Uncertain Significance. This sequence change replaces histidine, which is basic and polar, with proline, which is neutral and non-polar, at codon 1359 of the NOTCH2 protein (p.His1359Pro). This variant is not present in population databases (gnomAD no frequency). This variant has not been reported in the literature in individuals affected with NOTCH2-related conditions. Advanced modeling of protein sequence and biophysical properties (such as structural, functional, and spatial information, amino acid conservation, physicochemical variation, residue mobility, and thermodynamic stability) performed at Invitae indicates that this missense variant is not expected to disrupt NOTCH2 protein function.